The following is an entry in ClinVar:

NM_006734.4(HIVEP2):c.3421G>A (p.Gly1141Ser)

Gene: HIVEP2 (HIVEP zinc finger 2; minus strand). Cytogenetic location: 6q24.2.
Variant type: single nucleotide variant.
Coding change: c.3421G>A on transcript NM_006734.4 (MANE Select); coding-DNA position 3421, G replaced by A.
Protein change: p.Gly1141Ser; replaces glycine 1141 with serine.
Molecular consequence: missense variant.
Genome position (GRCh38, 1-based): chr6:142,771,318, C>T on the plus strand (G>A on the coding strand, the complement: HIVEP2 is on the minus strand). VCF-style: chr6-142771318-C-T. GRCh37 (hg19) VCF-style: chr6-143092455-C-T.
Other names: short protein forms G1141S.
Identifiers: ClinVar variation 1334750 (VCV001334750.4), dbSNP rs2114651270, ClinGen allele CA365904136.
Genomic context (GRCh38, chr6:142,771,318, plus strand): 5'-TGTGCATGATCTGTGGCTGGGCCAGGTGCAGTGGCCCCGAGCTCAGCGGGGGACAAGGAC[C>T]CGCCACCTGCTTCCCTGGGTCCTCTTGCTGAAGAGGAGGCAGCACAGCAGGCGGGCCATG-3'
Protein context (NP_006725.3, residues 1131-1151): QQEDPGKQVA[Gly1141Ser]PCPPLSSGPL

ClinVar aggregate classification (germline): Uncertain significance (1 of 4 stars; one submission).

Submission:

Greenwood Genetic Center Diagnostic Laboratories, Greenwood Genetic Center
Classification: Uncertain significance. Last evaluated: 2021-05-12. Review status: criteria provided, single submitter. Criteria: ACMG Guidelines, 2015. Collection method: clinical testing. Allele origin: germline. Affected: yes.
Comment: PM2